The following is an entry in ClinVar:

ClinVar aggregate classification (germline): Benign/Likely benign. Review status: criteria provided, multiple submitters, no conflicts (2 of 4 stars). 4 submissions from 4 submitters: Benign (2); Likely benign (2). Last evaluated 2026-01-28.

Conditions:
Idiopathic generalized epilepsy. Also called: EIG; Generalised epilepsy. Identifiers: MedGen C0270850, MONDO:0005579, OMIM 600669.
Hyperaldosteronism, familial, type IV (HALD4). Also called: FH IV; ALDOSTERONISM, PRIMARY, AND HYPERTENSION. Identifiers: Orphanet 642671, MedGen C4310756, MONDO:0014875, OMIM 617027.

Allele frequency attached by ClinVar (database versions not stated): gnomAD exomes 0.00077 and 0.00225; ExAC 0.00267; gnomAD 0.00828 and 0.00885; ESP Exome Variant Server 0.00900; TOPMed 0.00919; 1000 Genomes Project 0.01038; 1000 Genomes Project 30x 0.01218.
gnomAD v4.1: 2,452 of 1,613,552 alleles (0.15%); highest among the groups gnomAD compares: African/African-American, 2.9%; 33 homozygotes.

Submissions (4):

Labcorp Genetics (formerly Invitae), Labcorp
Classification: Benign for Idiopathic generalized epilepsy; Hyperaldosteronism, familial, type IV. Last evaluated: 2026-01-28. Review status: criteria provided, single submitter. Criteria: Invitae Variant Classification Sherloc (09022015). Collection method: clinical testing. Allele origin: germline.

Athena Diagnostics
Classification: Benign. Last evaluated: 2024-12-24. Review status: criteria provided, single submitter. Criteria: Athena Diagnostics Criteria. Collection method: clinical testing. Allele origin: unknown.
Comment: The frequency of this variant in the general population is higher than would generally be expected for pathogenic variants in this gene.

GeneDx
Classification: Likely benign. Last evaluated: 2020-12-22. Review status: criteria provided, single submitter. Criteria: GeneDx Variant Classification Process June 2021. Collection method: clinical testing. Allele origin: germline. Affected: yes.

Breakthrough Genomics
Classification: Likely benign. Review status: criteria provided, single submitter. Criteria: ACMG Guidelines, 2015. Collection method: not provided. Allele origin: germline. Inheritance: Autosomal dominant inheritance. Affected: yes.

NM_021098.3(CACNA1H):c.4635C>T (p.Phe1545=)

Gene: CACNA1H (calcium voltage-gated channel subunit alpha1 H; plus strand). Cytogenetic location: 16p13.3.
Variant type: single nucleotide variant.
Coding change: c.4635C>T on transcript NM_021098.3 (MANE Select); coding-DNA position 4635, C replaced by T.
Protein change: p.Phe1545=; no amino-acid change (phenylalanine 1545 retained).
Molecular consequence: synonymous variant.
Genome position (GRCh38, 1-based): chr16:1,212,014, C>T. VCF-style: chr16-1212014-C-T. GRCh37 (hg19) VCF-style: chr16-1262014-C-T.
Other names: c.4635C>T, p.Phe1545= (NM_001005407.2).
Identifiers: ClinVar variation 460120 (VCV000460120.17), dbSNP rs58110336, ClinGen allele CA7801470.